The following is an entry in ClinVar:

ClinVar aggregate classification (germline): Uncertain significance. Review status: criteria provided, multiple submitters, no conflicts (2 of 4 stars). 6 submissions from 5 submitters: Uncertain significance (6). Last evaluated 2025-05-15.

Conditions:
Retinitis pigmentosa (RP). Identifiers: Orphanet 791, MedGen C0035334, MeSH D012174, MONDO:0019200, OMIM 268000. Inheritance: Autosomal dominant, autosomal recessive and X linked inheritance.
Oguchi disease-1. Also called: Congenital stationary night blindness Oguchi type 1. Identifiers: MedGen C4551824, MONDO:0009775, OMIM 258100.
Retinitis pigmentosa 47 (RP47). Identifiers: Orphanet 791, MedGen C3151061, MONDO:0013407, OMIM 613758.
Inborn genetic diseases. Identifiers: MedGen C0950123, MeSH D030342.
Oguchi disease. Also called: Oguchi's disease. Identifiers: Orphanet 75382, MedGen C1306122, MONDO:0019152.

Allele frequency attached by ClinVar (database versions not stated): gnomAD 0.00001; TOPMed 0.00001; gnomAD exomes 0.00003; ExAC 0.00005.
gnomAD v4.1: 42 of 1,603,580 alleles (0.0026%); highest among the groups gnomAD compares: South Asian, 0.0034%; no homozygotes.

Submissions (6):

Ambry Genetics
Classification: Uncertain significance for Inborn genetic diseases. Last evaluated: 2025-05-15. Review status: criteria provided, single submitter. Criteria: Ambry Variant Classification Scheme 2023. Collection method: clinical testing. Allele origin: germline.

Labcorp Genetics (formerly Invitae), Labcorp
Classification: Uncertain significance. Last evaluated: 2023-10-29. Review status: criteria provided, single submitter. Criteria: Invitae Variant Classification Sherloc (09022015). Collection method: clinical testing. Allele origin: germline.
Comment: This sequence change replaces arginine, which is basic and polar, with cysteine, which is neutral and slightly polar, at codon 70 of the SAG protein (p.Arg70Cys). The frequency data for this variant in the population databases is considered unreliable, as metrics indicate poor data quality at this position in the gnomAD database. This variant has not been reported in the literature in individuals affected with SAG-related conditions. ClinVar contains an entry for this variant (Variation ID: 898283). Advanced modeling of protein sequence and biophysical properties (such as structural, functional, and spatial information, amino acid conservation, physicochemical variation, residue mobility, and thermodynamic stability) has been performed at Invitae for this missense variant, however the output from this modeling did not meet the statistical confidence thresholds required to predict the impact of this variant on SAG protein function. In summary, the available evidence is currently insufficient to determine the role of this variant in disease. Therefore, it has been classified as a Variant of Uncertain Significance.

Blueprint Genetics
Classification: Uncertain significance. Last evaluated: 2023-09-15. Review status: criteria provided, single submitter. Criteria: ACMG Guidelines, 2015. Collection method: clinical testing. Allele origin: germline.

Fulgent Genetics
Classification: Uncertain significance for Oguchi disease-1; Retinitis pigmentosa 47. Last evaluated: 2021-07-23. Review status: criteria provided, single submitter. Criteria: ACMG Guidelines, 2015. Collection method: clinical testing. Allele origin: unknown.

Illumina Laboratory Services, Illumina
Classification: Uncertain significance for Retinitis pigmentosa. Last evaluated: 2018-01-13. Review status: criteria provided, single submitter. Criteria: ICSL Variant Classification Criteria 13 December 2019. Collection method: clinical testing. Allele origin: germline.

Illumina Laboratory Services, Illumina
Classification: Uncertain significance for Oguchi disease-1. Last evaluated: 2018-01-13. Review status: criteria provided, single submitter. Criteria: ICSL Variant Classification Criteria 13 December 2019. Collection method: clinical testing. Allele origin: germline.

NM_000541.5(SAG):c.208C>T (p.Arg70Cys)

Gene: SAG (S-antigen visual arrestin; plus strand). Cytogenetic location: 2q37.1.
Variant type: single nucleotide variant.
Coding change: c.208C>T on transcript NM_000541.5 (MANE Select); coding-DNA position 208, C replaced by T.
Protein change: p.Arg70Cys; replaces arginine 70 with cysteine.
Molecular consequence: missense variant.
Genome position (GRCh38, 1-based): chr2:233,320,656, C>T. VCF-style: chr2-233320656-C-T. GRCh37 (hg19) VCF-style: chr2-234229302-C-T.
Other names: short protein forms R70C.
Identifiers: ClinVar variation 898283 (VCV000898283.16), dbSNP rs777934036, ClinGen allele CA2174307.